The following is an entry in ClinVar:

ClinVar aggregate classification (germline): Uncertain significance (1 of 4 stars; one submission).

Conditions:
ABCC8-related disorder.

Submission:

PreventionGenetics, part of Exact Sciences
Classification: Uncertain significance for ABCC8-related condition. Last evaluated: 2025-04-18. Review status: criteria provided, single submitter. Criteria: ACMG Guidelines, 2015. Collection method: clinical testing. Allele origin: germline.
Comment: The ABCC8 c.2144T>C variant is predicted to result in the amino acid substitution p.Val715Ala. This variant is alternatively referred to as V715A in the literature. It has been reported in the heterozygous state in two siblings with diazoxide-unresponsive diffuse hyperinsulinism (Macmullen et al. 2011. PubMed ID: 21536946). The siblings inherited the variant from their mother, who was stated to be asymptomatic at the time of reporting. Functional studies showed that this variant has normal trafficking of channels, but severely impaired responses to MgADP and diazoxide (Macmullen et al. 2011. PubMed ID: 21536946). This variant has not been reported in a large population database (gnomAD), indicating this variant is rare. Alternate missense changes affecting the same amino acid (p.Val715Met and p.Val715Gly) have been reported in individuals with hypoglycemia; segregation was found with hypoglycemia in a family with p.Val715Met (Boodhansingh. 2019. PubMed ID: 31464105) and p.Val715Gly has been reported de novo in two individuals with hypoglycemia (Macmullen et al. 2011. PubMed ID: 21536946). Although we suspect that this variant may be pathogenic, at this time, the clinical significance of this variant is uncertain due to the absence of conclusive functional and genetic evidence.

NM_000352.6(ABCC8):c.2144T>C (p.Val715Ala)

Gene: ABCC8 (ATP binding cassette subfamily C member 8; minus strand). Cytogenetic location: 11p15.1.
Variant type: single nucleotide variant.
Coding change: c.2144T>C on transcript NM_000352.6 (MANE Select); coding-DNA position 2144, T replaced by C.
Protein change: p.Val715Ala; replaces valine 715 with alanine.
Molecular consequence: missense variant. On other transcripts: non-coding transcript variant (1).
Genome position (GRCh38, 1-based): chr11:17,427,127, A>G on the plus strand (T>C on the coding strand, the complement: ABCC8 is on the minus strand). VCF-style: chr11-17427127-A-G. GRCh37 (hg19) VCF-style: chr11-17448674-A-G.
Other names: c.2144T>C, p.Val715Ala (NM_001287174.3); c.2210T>C, p.Val737Ala (NM_001351295.2); c.2141T>C, p.Val714Ala (NM_001351296.2, NM_001351297.2); short protein forms V715A, V714A, V737A.
Identifiers: ClinVar variation 5000704 (VCV005000704.1).